The following is an entry in ClinVar:

NM_024529.5(CDC73):c.1321C>T (p.Arg441Cys)

Gene: CDC73 (cell division cycle 73; plus strand). Cytogenetic location: 1q31.2.
Variant type: single nucleotide variant.
Coding change: c.1321C>T on transcript NM_024529.5 (MANE Select); coding-DNA position 1321, C replaced by T.
Protein change: p.Arg441Cys; replaces arginine 441 with cysteine.
Molecular consequence: missense variant.
Genome position (GRCh38, 1-based): chr1:193,236,260, C>T. VCF-style: chr1-193236260-C-T. GRCh37 (hg19) VCF-style: chr1-193205390-C-T.
Other names: short protein forms R441C.
Identifiers: ClinVar variation 2098229 (VCV002098229.5), dbSNP rs754454928, ClinGen allele CA1303832.

ClinVar aggregate classification (germline): Uncertain significance. Review status: criteria provided, multiple submitters, no conflicts (2 of 4 stars). 2 submissions from 2 submitters: Uncertain significance (2). Last evaluated 2024-10-28.

Conditions:
Hyperparathyroidism 1 (HRPT1). Also called: HYPERPARATHYROIDISM, FAMILIAL ISOLATED PRIMARY. Identifiers: Orphanet 99879, MedGen C1840402, MONDO:0007767, OMIM 145000.
Parathyroid carcinoma (PRTC). Also called: CDC73-Related Parathyroid Carcinoma; Parathyroid gland carcinoma. Identifiers: Orphanet 143, MedGen C0687150, MONDO:0012004, OMIM 608266, HP:0006780.
Hyperparathyroidism 2 with jaw tumors. Also called: Hyperparathyroidism 2; Hyperparathyroidism-Jaw Tumor Syndrome; HYPERPARATHYROIDISM, FAMILIAL PRIMARY, WITH MULTIPLE OSSIFYING JAW FIBROMAS; HYPERPARATHYROIDISM-JAW TUMOR SYNDROME, HEREDITARY. Identifiers: Orphanet 99880, MedGen C1704981, MONDO:0007768, OMIM 145001.

Allele frequency attached by ClinVar (database versions not stated): ExAC 0.00001.

Submissions (2):

Labcorp Genetics (formerly Invitae), Labcorp
Classification: Uncertain significance for Parathyroid carcinoma. Last evaluated: 2024-10-28. Review status: criteria provided, single submitter. Criteria: Invitae Variant Classification Sherloc (09022015). Collection method: clinical testing. Allele origin: germline.
Comment: This sequence change replaces arginine, which is basic and polar, with cysteine, which is neutral and slightly polar, at codon 441 of the CDC73 protein (p.Arg441Cys). This variant is present in population databases (rs754454928, gnomAD 0.0009%). This variant has not been reported in the literature in individuals affected with CDC73-related conditions. ClinVar contains an entry for this variant (Variation ID: 2098229). Invitae Evidence Modeling of protein sequence and biophysical properties (such as structural, functional, and spatial information, amino acid conservation, physicochemical variation, residue mobility, and thermodynamic stability) indicates that this missense variant is expected to disrupt CDC73 protein function with a positive predictive value of 80%. In summary, the available evidence is currently insufficient to determine the role of this variant in disease. Therefore, it has been classified as a Variant of Uncertain Significance.

Fulgent Genetics
Classification: Uncertain significance for Hyperparathyroidism 1; Hyperparathyroidism 2 with jaw tumors; Parathyroid carcinoma. Last evaluated: 2024-02-16. Review status: criteria provided, single submitter. Criteria: ACMG Guidelines, 2015. Collection method: clinical testing. Allele origin: germline.